The following continues an entry in ClinVar:

NM_000257.4(MYH7):c.611G>A (p.Arg204His)

Gene: MYH7. ClinVar aggregate classification (germline): Pathogenic/Likely pathogenic. Pathogenic (4); Likely pathogenic (10).

Submissions 9 to 21 of 21:

3billion
Classification: Pathogenic for Hypertrophic cardiomyopathy 1. Last evaluated: 2022-01-03. Review status: criteria provided, single submitter. Criteria: ACMG Guidelines, 2015. Collection method: clinical testing. Allele origin: germline. Affected: yes. Observed: 1 heterozygote.
Comment: Same nucleotide change resulting in same amino acid change has been previously reported as pathogenic/likely pathogenic with strong evidence (ClinVar ID: VCV000043095, PMID:12707239, PS1_S). A different missense change at the same codon has been reported to be associated with MYH7 related disorder (PMID:27247418, PM5_P). In silico tool predictions suggest damaging effect of the variant on gene or gene product (REVEL: 0.655, 3CNET: 0.958, PP3_P). It is observed at an extremely low frequency in the gnomAD v2.1.1 dataset (total allele frequency: 0.000018, PM2_M). The variant is located in a well-established functional domain or exonic hotspot, where pathogenic variants have frequently reported (PM1_M). Therefore, this variant is classified as pathogenic according to the recommendation of ACMG/AMP guideline.

Blueprint Genetics
Classification: Likely pathogenic for MYH7-related disorders. Last evaluated: 2021-10-06. Review status: criteria provided, single submitter. Criteria: ACMG Guidelines, 2015. Collection method: clinical testing. Allele origin: germline. Affected: yes. Observed: 1 variant allele.

Laboratory for Molecular Medicine, Mass General Brigham Personalized Medicine
Classification: Likely pathogenic for Hypertrophic cardiomyopathy. Last evaluated: 2021-04-29. Review status: criteria provided, single submitter. Criteria: ACMG Guidelines, 2015. Collection method: clinical testing. Allele origin: germline. Inheritance: Autosomal dominant inheritance.
Comment: The p.Arg204His variant in MYH7 has been observed in >20 probands with hypertrophic cardiomyopathy (HCM) and segregated with disease in at least 1 affected family member (Richard 2003 PMID: 12707239, Meyer 2013 PMID: 23816408, Su 2014 PMID: 24865491, Berge 2014 PMID: 24111713, Ntusi 2016 PMID: 27841901, Furqan 2017 PMID: 28986452, Walsh 2017 PMID: 27532257, LMM data). At least 5 of the affected individuals carried additional disease-causing variants cardiomyopathy associated genes that may have also contributed to their phenotypes (Furqan 2017, LMM data). This variant has been reported by other clinical laboratories in ClinVar (Variation ID 43095). It has also been identified in 0.0023% (3/129190) of European chromosomes in gnomAD. This variant lies in the head region of the protein and missense variants in this region are statistically more likely to be disease-associated (Walsh 2017 PMID: 27532257). Computational prediction tools and conservation analysis do not provide strong support for or against an impact to the protein. In summary, although additional studies are required to fully establish its clinical significance, this variant meets criteria to be classified as likely pathogenic for autosomal dominant HCM. ACMG/AMP criteria applied: PS4, PM1, PM2_Supporting.

Stanford Center for Inherited Cardiovascular Disease, Stanford University
Classification: Likely pathogenic. Last evaluated: 2014-09-24. Review status: criteria provided, single submitter. Criteria: ACMG Guidelines, 2015. Collection method: provider interpretation. Allele origin: germline.

Clinical Genetics Service, Universitary Hospital 12 de Octubre
Classification: Likely pathogenic for Hypertrophic cardiomyopathy 1. Review status: criteria provided, single submitter. Criteria: ACMG Guidelines, 2015. Collection method: clinical testing. Allele origin: germline. Affected: yes.

Juno Genomics, Hangzhou Juno Genomics, Inc
Classification: Likely pathogenic for Dilated cardiomyopathy 1S; Hypertrophic cardiomyopathy 1. Review status: criteria provided, single submitter. Criteria: ACMG Guidelines, 2015. Collection method: clinical testing. Allele origin: germline.
Comment: Located in a mutational hot spot and/or critical and well-established functional domain without benign variation.;The prevalence of the variant in affected individuals is significantly increased compared to the prevalence in controls.

Baylor Genetics
Classification: Pathogenic for Dilated cardiomyopathy 1S. Last evaluated: 2022-09-05. Review status: flagged submission. Criteria: ACMG Guidelines, 2015. Collection method: clinical testing. Allele origin: unknown. Not counted in ClinVar's aggregate classification.
ClinVar note: Notes: This lab submitted 6 pathogenic classifications across distinct diseases but the variant is only pathogenic for HCM.
ClinVar note: Reason: Other submission error

Baylor Genetics
Classification: Pathogenic for MYH7-related skeletal myopathy. Last evaluated: 2022-09-05. Review status: flagged submission. Criteria: ACMG Guidelines, 2015. Collection method: clinical testing. Allele origin: unknown. Not counted in ClinVar's aggregate classification.
ClinVar note: Notes: This lab submitted 6 pathogenic entries for the variant but only one has the correct condition (HCM)
ClinVar note: Reason: Other submission error

Baylor Genetics
Classification: Pathogenic for Myopathy, myosin storage, autosomal recessive. Last evaluated: 2022-09-05. Review status: flagged submission. Criteria: ACMG Guidelines, 2015. Collection method: clinical testing. Allele origin: unknown. Not counted in ClinVar's aggregate classification.
ClinVar note: Notes: This lab submitted 6 pathogenic entries for the variant but only one has the correct condition (HCM)
ClinVar note: Reason: Other submission error

Baylor Genetics
Classification: Pathogenic for Myosin storage myopathy. Last evaluated: 2022-09-05. Review status: flagged submission. Criteria: ACMG Guidelines, 2015. Collection method: clinical testing. Allele origin: unknown. Not counted in ClinVar's aggregate classification.
ClinVar note: Notes: This lab submitted 6 pathogenic entries for the variant but only one has the correct condition (HCM)
ClinVar note: Reason: Other submission error
ClinVar note: Reason: This record appears to be redundant with a more recent record from the same submitter.
ClinVar note: Notes: SCV003835448 appears to be redundant with SCV003835540.

Baylor Genetics
Classification: Pathogenic for Myosin storage myopathy. Last evaluated: 2022-09-05. Review status: flagged submission. Criteria: ACMG Guidelines, 2015. Collection method: clinical testing. Allele origin: unknown. Not counted in ClinVar's aggregate classification.
ClinVar note: Notes: This lab submitted 6 pathogenic entries for the variant but only one has the correct condition (HCM)
ClinVar note: Reason: Other submission error

Clinical Genetics DNA and cytogenetics Diagnostics Lab, Erasmus MC, Erasmus Medical Center
Classification: Uncertain significance. Review status: flagged submission. Collection method: clinical testing. Allele origin: germline. Affected: yes. Study: VKGL Data-share Consensus. Not counted in ClinVar's aggregate classification.
ClinVar note: Reason: Outlier claim with insufficient supporting evidence

Genome Diagnostics Laboratory, University Medical Center Utrecht
Classification: Uncertain significance. Review status: flagged submission. Collection method: clinical testing. Allele origin: germline. Affected: yes. Study: VKGL Data-share Consensus. Not counted in ClinVar's aggregate classification.
ClinVar note: Reason: Outlier claim with insufficient supporting evidence

Literature cited by the submitters: PubMed 12707239 (cited by 5 submitters); PubMed 23816408 (cited by 4 submitters); PubMed 24111713 (cited by 4 submitters); PubMed 24865491 (cited by 4 submitters); PubMed 27247418 (cited by 4 submitters); PubMed 27532257 (cited by 4 submitters); PubMed 27841901 (cited by 4 submitters); PubMed 20975235 (cited by Ambry Genetics and Color Diagnostics, LLC DBA Color Health); PubMed 28790153 (cited by Ambry Genetics and Color Diagnostics, LLC DBA Color Health); PubMed 23074333 (cited by Color Diagnostics, LLC DBA Color Health); PubMed 32894683 (cited by Color Diagnostics, LLC DBA Color Health); PubMed 35653365 (cited by Color Diagnostics, LLC DBA Color Health); PubMed 20439259 (cited by Laboratory for Molecular Medicine, Mass General Brigham Personalized Medicine); PubMed 28986452 (cited by Laboratory for Molecular Medicine, Mass General Brigham Personalized Medicine); PubMed 29970176 (cited by Laboratory for Molecular Medicine, Mass General Brigham Personalized Medicine); PubMed 2790153 (cited by Laboratory for Molecular Medicine, Mass General Brigham Personalized Medicine).